The following is an entry in ClinVar:

ClinVar aggregate classification (germline): Likely pathogenic. Review status: criteria provided, multiple submitters, no conflicts (2 of 4 stars). 2 submissions from 2 submitters: Likely pathogenic (2). Last evaluated 2021-10-08.

Conditions:
Mitochondrial disease. Also called: Mitochondrial disorders; Mitochondrial disorder. Identifiers: Orphanet 68380, MedGen C0751651, MeSH D028361, MONDO:0044970.
DNM1L-related disorder. Also called: DNM1L-related condition.

Allele frequency attached by ClinVar (database versions not stated): TOPMed below 0.00001.

Submissions (2):

Mitochondrial Research Group, Newcastle University
Classification: Likely pathogenic for Mitochondrial disease. Last evaluated: 2021-10-08. Review status: criteria provided, single submitter. Criteria: Ellard et al ACGS 2020 Guidelines. Collection method: clinical testing. Allele origin: de novo. Affected: yes. Observed: 2 variant alleles.

Rady Children's Institute for Genomic Medicine, Rady Children's Hospital San Diego
Classification: Likely pathogenic for DNM1L-related disorders. Review status: criteria provided, single submitter. Criteria: ACMG Guidelines, 2015. Collection method: clinical testing. Allele origin: germline. Affected: yes.
Comment: This variant has not been previously reported or functionally characterized in the literature to our knowledge. However, other de novo missense variants in DNM1L have been previously reported in individuals affected with DNM1L- related conditions (PMID: 27145208, 29877124, 31587467). The c.1201G>A (p.Gly401Ser) variant is absent from the gnomAD population database and thus is presumed to be rare. The c.1201G>A (p.Gly401Ser) variant affects a highly conserved amino acid and is predicted by multiple in silico tools to have a deleterious effect on protein function. Analysis of the parental samples was negative for the variant, indicating this variant likely occurred as a de novo event. Based on the available evidence, the c.1201G>A (p.Gly401Ser) variant is classified as Likely Pathogenic.

NM_012062.5(DNM1L):c.1201G>A (p.Gly401Ser)

Gene: DNM1L (dynamin 1 like; plus strand). Cytogenetic location: 12p11.21.
Variant type: single nucleotide variant.
Coding change: c.1201G>A on transcript NM_012062.5 (MANE Select); coding-DNA position 1201, G replaced by A.
Protein change: p.Gly401Ser; replaces glycine 401 with serine.
Molecular consequence: missense variant.
Genome position (GRCh38, 1-based): chr12:32,731,356, G>A. VCF-style: chr12-32731356-G-A. GRCh37 (hg19) VCF-style: chr12-32884290-G-A.
Other names: c.1201G>A (NM_012062.4); c.1201G>A, p.Gly401Ser (NM_001278463.2, NM_005690.5, NM_012063.4); c.1240G>A, p.Gly414Ser (NM_001278464.2, NM_001278465.2, NM_001330380.2); c.592G>A, p.Gly198Ser (NM_001278466.2); short protein forms G198S, G401S, G414S.
Identifiers: ClinVar variation 1299485 (VCV001299485.2), dbSNP rs1316999302, ClinGen allele CA384357617.